The following is an entry in ClinVar:

NM_002160.4(TNC):c.116C>T (p.Ala39Val)

Gene: TNC (tenascin C; minus strand). Cytogenetic location: 9q33.1.
Variant type: single nucleotide variant.
Coding change: c.116C>T on transcript NM_002160.4 (MANE Select); coding-DNA position 116, C replaced by T.
Protein change: p.Ala39Val; replaces alanine 39 with valine.
Molecular consequence: missense variant.
Genome position (GRCh38, 1-based): chr9:115,090,903, G>A on the plus strand (C>T on the coding strand, the complement: TNC is on the minus strand). VCF-style: chr9-115090903-G-A. GRCh37 (hg19) VCF-style: chr9-117853182-G-A.
Other names: c.116C>T, p.Ala39Val (NM_001410991.1, NM_001439065.1, NM_001439066.1 and 35 more transcripts); short protein forms A39V.
Identifiers: ClinVar variation 4977283 (VCV004977283.1).

ClinVar aggregate classification (germline): Uncertain significance (1 of 4 stars; one submission).

Conditions:
TNC-related disorder. Also called: TNC-related condition.

gnomAD v4.1: 7 of 1,614,062 alleles (0.00043%); highest among the groups gnomAD compares: Middle Eastern, 0.016%; no homozygotes.

Submission:

PreventionGenetics, part of Exact Sciences
Classification: Uncertain significance for TNC-related condition. Last evaluated: 2025-08-06. Review status: criteria provided, single submitter. Criteria: ACMG Guidelines, 2015. Collection method: clinical testing. Allele origin: germline.
Comment: The TNC c.116C>T variant is predicted to result in the amino acid substitution p.Ala39Val. To our knowledge, this variant has not been reported in the literature. This variant is reported in 0.00088% of alleles in individuals of European (Non-Finnish) descent in gnomAD. At this time, the clinical significance of this variant is uncertain due to the absence of conclusive functional and genetic evidence.